The following is an entry in ClinVar:

ClinVar aggregate classification (germline): Likely pathogenic. Review status: criteria provided, multiple submitters, no conflicts (2 of 4 stars). 5 submissions from 5 submitters: Likely pathogenic (5). Last evaluated 2024-10-31.

Conditions:
Alport syndrome. Also called: Hemorrhagic familial nephritis; Hemorrhagic hereditary nephritis; Congenital hereditary hematuria. Identifiers: Orphanet 63, MedGen C1567741, MONDO:0018965.
Autosomal recessive Alport syndrome (ATS2). Also called: Alport syndrome type 2; COL4A4 Alport Syndrome and Thin Basement Membrane Nephropathy; COL4A3-Related Nephropathy; ALPORT SYNDROME 2, AUTOSOMAL RECESSIVE. Identifiers: Orphanet 63, Orphanet 88919, MedGen C4746745, MONDO:0008762, OMIM 203780.
Hematuria, benign familial, 1 (BFH1). Also called: THIN MEMBRANE NEPHROPATHY. Identifiers: MedGen CN376803, MONDO:0007709, OMIM 141200.
COL4A4-related disorder.

gnomAD v4.1: 2 of 1,613,954 alleles (0.00012%); highest among the groups gnomAD compares: Non-Finnish European, 0.00017%; no homozygotes.

Submissions (5):

Natera, Inc.
Classification: Likely pathogenic for Alport syndrome. Last evaluated: 2024-10-31. Review status: criteria provided, single submitter. Criteria: Natera Variant Classification Schema (03/2026). Collection method: clinical testing. Allele origin: germline.
Comment: The c.3214+1G>A variant in COL4A4 is a canonical splice donor site variant predicted to affect pre-mRNA splicing, which may result in an abnormal transcript and altered protein product. This variant is expected to result in nonsense mediated decay, truncation, or a dysfunctional protein product. This variant is rare in the general population with a frequency below the threshold expected for the associated phenotype(s). Given the available evidence, this variant is classified as Likely Pathogenic.

Blueprint Genetics
Classification: Likely pathogenic for COL4A4-related disorders. Last evaluated: 2024-07-17. Review status: criteria provided, single submitter. Criteria: ACMG Guidelines, 2015. Collection method: clinical testing. Allele origin: germline. Affected: yes. Observed: 1 variant allele.

Fulgent Genetics
Classification: Likely pathogenic for Hematuria, benign familial, 1; Autosomal recessive Alport syndrome. Last evaluated: 2024-04-10. Review status: criteria provided, single submitter. Criteria: ACMG Guidelines, 2015. Collection method: clinical testing. Allele origin: germline.

Labcorp Genetics (formerly Invitae), Labcorp
Classification: Likely pathogenic. Last evaluated: 2020-08-07. Review status: criteria provided, single submitter. Criteria: Invitae Variant Classification Sherloc (09022015). Collection method: clinical testing. Allele origin: germline.
Comment: In summary, the currently available evidence indicates that the variant is pathogenic, but additional data are needed to prove that conclusively. Therefore, this variant has been classified as Likely Pathogenic. Donor and acceptor splice site variants typically lead to a loss of protein function (PMID: 16199547), and loss-of-function variants in COL4A4 are known to be pathogenic (PMID: 21196518, 24854265, 25307543). Algorithms developed to predict the effect of sequence changes on RNA splicing suggest that this variant may disrupt the consensus splice site, but this prediction has not been confirmed by published transcriptional studies. This variant has not been reported in the literature in individuals with COL4A4-related conditions. This variant is not present in population databases (ExAC no frequency). This sequence change affects a donor splice site in intron 34 of the COL4A4 gene. It is expected to disrupt RNA splicing and likely results in an absent or disrupted protein product.

Clinical Genetics Service, Universitary Hospital 12 de Octubre
Classification: Likely pathogenic for Hematuria, benign familial, 1. Review status: criteria provided, single submitter. Criteria: ACMG Guidelines, 2015. Collection method: clinical testing. Allele origin: germline. Affected: yes.

Literature cited by the submitters: PubMed 16199547 (cited by Labcorp Genetics (formerly Invitae), Labcorp); PubMed 21196518 (cited by Labcorp Genetics (formerly Invitae), Labcorp); PubMed 24854265 (cited by Labcorp Genetics (formerly Invitae), Labcorp); PubMed 25307543 (cited by Labcorp Genetics (formerly Invitae), Labcorp).

NM_000092.5(COL4A4):c.3214+1G>A

Gene: COL4A4 (collagen type IV alpha 4 chain; minus strand). Cytogenetic location: 2q36.3.
Variant type: single nucleotide variant.
Coding change: c.3214+1G>A on transcript NM_000092.5 (MANE Select); the canonical splice donor site of the intron after coding-DNA position 3214, G replaced by A.
Molecular consequence: splice donor variant.
Genome position (GRCh38, 1-based): chr2:227,050,067, C>T on the plus strand (G>A on the coding strand, the complement: COL4A4 is on the minus strand). VCF-style: chr2-227050067-C-T. GRCh37 (hg19) VCF-style: chr2-227914783-C-T.
Other names: c.3214+1G>A (NM_000092.4).
Identifiers: ClinVar variation 1068238 (VCV001068238.12), dbSNP rs747167770, ClinGen allele CA350838785.